The following is an entry in ClinVar:

NM_003640.5(ELP1):c.348T>C (p.Ser116=)

Gene: ELP1 (elongator acetyltransferase complex subunit 1; minus strand). Cytogenetic location: 9q31.3.
Variant type: single nucleotide variant.
Coding change: c.348T>C on transcript NM_003640.5 (MANE Select); coding-DNA position 348, T replaced by C.
Protein change: p.Ser116=; no amino-acid change (serine 116 retained).
Molecular consequence: synonymous variant. On other transcripts: 5 prime UTR variant (1).
Genome position (GRCh38, 1-based): chr9:108,927,409, A>G on the plus strand (T>C on the coding strand, the complement: ELP1 is on the minus strand). VCF-style: chr9-108927409-A-G. GRCh37 (hg19) VCF-style: chr9-111689689-A-G.
Other names: c.348T>C (NM_003640.4, LRG_251t1); c.6T>C, p.Ser2= (NM_001318360.2); c.-512T>C (NM_001330749.2).
Identifiers: ClinVar variation 510719 (VCV000510719.15), dbSNP rs2230787, ClinGen allele CA5175391.

ClinVar aggregate classification (germline): Likely benign. Review status: criteria provided, multiple submitters, no conflicts (2 of 4 stars). 5 submissions from 5 submitters: Likely benign (4). 1 of the submissions does not count toward it. Last evaluated 2026-01-17.

Conditions:
ELP1-related disorder. Also called: ELP1-related condition.
Familial dysautonomia. Also called: HSAN III; FD. Identifiers: Orphanet 1764, MedGen C0013364, MONDO:0009131, OMIM 223900. Disease mechanism: loss of function.

Allele frequency attached by ClinVar (database versions not stated): gnomAD exomes 0.00007; ExAC 0.00008; ESP Exome Variant Server 0.00008; TOPMed 0.00010; gnomAD 0.00014 and 0.00017; 1000 Genomes Project 30x 0.00031; 1000 Genomes Project 0.00040.
gnomAD v4.1: 68 of 1,613,906 alleles (0.0042%); highest among the groups gnomAD compares: East Asian, 0.036%; no homozygotes.

Submissions (5):

Labcorp Genetics (formerly Invitae), Labcorp
Classification: Likely benign. Last evaluated: 2026-01-17. Review status: criteria provided, single submitter. Criteria: Invitae Variant Classification Sherloc (09022015). Collection method: clinical testing. Allele origin: germline.

PreventionGenetics, part of Exact Sciences
Classification: Likely benign for ELP1-related condition. Last evaluated: 2025-03-12. Review status: criteria provided, single submitter. Criteria: ACMG Guidelines, 2015. Collection method: clinical testing. Allele origin: germline.
Comment: This variant is classified as likely benign based on ACMG/AMP sequence variant interpretation guidelines (Richards et al. 2015 PMID: 25741868, with internal and published modifications).

Ambry Genetics
Classification: Likely benign. Last evaluated: 2019-07-11. Review status: criteria provided, single submitter. Criteria: Ambry Variant Classification Scheme 2023. Collection method: clinical testing. Allele origin: germline.

GeneDx
Classification: Likely benign. Last evaluated: 2017-07-10. Review status: criteria provided, single submitter. Criteria: GeneDx Variant Classification (06012015). Collection method: clinical testing. Allele origin: germline. Affected: yes.
Comment: This variant is considered likely benign or benign based on one or more of the following criteria: it is a conservative change, it occurs at a poorly conserved position in the protein, it is predicted to be benign by multiple in silico algorithms, and/or has population frequency not consistent with disease.

Natera, Inc.
Classification: Likely benign for Familial dysautonomia. Last evaluated: 2020-09-16. Review status: no assertion criteria provided. Collection method: clinical testing. Allele origin: germline. Not counted in ClinVar's aggregate classification.